The following is an entry in ClinVar:

NM_000388.4(CASR):c.118A>G (p.Ile40Val)

Gene: CASR (calcium sensing receptor; plus strand). Cytogenetic location: 3q21.1.
Variant type: single nucleotide variant.
Coding change: c.118A>G on transcript NM_000388.4 (MANE Select); coding-DNA position 118, A replaced by G.
Protein change: p.Ile40Val; replaces isoleucine 40 with valine.
Molecular consequence: missense variant.
Genome position (GRCh38, 1-based): chr3:122,254,307, A>G. VCF-style: chr3-122254307-A-G. GRCh37 (hg19) VCF-style: chr3-121973154-A-G.
Other names: c.118A>G, p.Ile40Val (NM_001178065.2); short protein forms I40V.
Identifiers: ClinVar variation 856702 (VCV000856702.11), dbSNP rs1458833527, ClinGen allele CA354362166.

ClinVar aggregate classification (germline): Uncertain significance. Review status: criteria provided, multiple submitters, no conflicts (2 of 4 stars). 2 submissions from 2 submitters: Uncertain significance (2). Last evaluated 2023-07-17.

Conditions:
Autosomal dominant hypocalcemia 1 (HYPOC1). Also called: HYPOCALCEMIA, FAMILIAL. Identifiers: MedGen C3715128, MONDO:0011013, OMIM 601198.
Familial hypocalciuric hypercalcemia (FHH). Also called: Familial benign hypercalcemia. Identifiers: Orphanet 405, MedGen C1809471, MONDO:0018458.
Epilepsy, idiopathic generalized, susceptibility to, 8. Identifiers: MedGen C2752062, MONDO:0013032, OMIM 612899.
Familial hypocalciuric hypercalcemia 1. Also called: Hypercalcemia, familial benign type 1. Identifiers: Orphanet 405, Orphanet 93372, MedGen C0342637, MONDO:0007791, OMIM 145980.
Neonatal severe primary hyperparathyroidism. Identifiers: Orphanet 417, MedGen C1832615, MONDO:0009397, OMIM 239200.

Allele frequency attached by ClinVar (database versions not stated): gnomAD 0.00001.
gnomAD v4.1: 1 of 1,614,032 alleles (0.000062%); highest among the groups gnomAD compares: East Asian, 0.0022%; no homozygotes.

Submissions (2):

Labcorp Genetics (formerly Invitae), Labcorp
Classification: Uncertain significance for Familial hypocalciuric hypercalcemia; Autosomal dominant hypocalcemia 1. Last evaluated: 2023-07-17. Review status: criteria provided, single submitter. Criteria: Invitae Variant Classification Sherloc (09022015). Collection method: clinical testing. Allele origin: germline.
Comment: An algorithm developed to predict the effect of missense changes on protein structure and function (PolyPhen-2) suggests that this variant is likely to be tolerated. In summary, the available evidence is currently insufficient to determine the role of this variant in disease. Therefore, it has been classified as a Variant of Uncertain Significance. ClinVar contains an entry for this variant (Variation ID: 856702). This variant has not been reported in the literature in individuals affected with CASR-related conditions. This variant is present in population databases (no rsID available, gnomAD 0.06%). This sequence change replaces isoleucine, which is neutral and non-polar, with valine, which is neutral and non-polar, at codon 40 of the CASR protein (p.Ile40Val).

Fulgent Genetics
Classification: Uncertain significance for Familial hypocalciuric hypercalcemia 1; Neonatal severe primary hyperparathyroidism; Autosomal dominant hypocalcemia 1; Epilepsy, idiopathic generalized, susceptibility to, 8. Last evaluated: 2022-03-31. Review status: criteria provided, single submitter. Criteria: ACMG Guidelines, 2015. Collection method: clinical testing. Allele origin: unknown.